The following is an entry in ClinVar:

NM_002055.5(GFAP):c.625C>T (p.Arg209Trp)

Gene: GFAP (glial fibrillary acidic protein; minus strand). Cytogenetic location: 17q21.31.
Variant type: single nucleotide variant.
Coding change: c.625C>T on transcript NM_002055.5 (MANE Select); coding-DNA position 625, C replaced by T.
Protein change: p.Arg209Trp; replaces arginine 209 with tryptophan.
Molecular consequence: missense variant.
Genome position (GRCh38, 1-based): chr17:44,913,424, G>A on the plus strand (C>T on the coding strand, the complement: GFAP is on the minus strand). VCF-style: chr17-44913424-G-A. GRCh37 (hg19) VCF-style: chr17-42990792-G-A.
Other names: NM_002055.5(GFAP):c.625C>T; p.Arg209Trp; c.625C>T, p.Arg209Trp (NM_001131019.3, NM_001242376.3, NM_001363846.2); short protein forms R209W.
Identifiers: ClinVar variation 558830 (VCV000558830.55), dbSNP rs146725018, ClinGen allele CA8608894.

ClinVar aggregate classification (germline): Benign. Review status: reviewed by expert panel (3 of 4 stars). 7 submissions from 7 submitters: Benign (1). 6 of the submissions do not count toward it. Last evaluated 2026-08-17.

Conditions:
Inborn genetic diseases. Identifiers: MedGen C0950123, MeSH D030342.
Alexander disease (ALXDRD). Also called: Alexander's disease. Identifiers: Orphanet 58, MedGen C0270726, MONDO:0008752, OMIM 203450.

Allele frequency attached by ClinVar (database versions not stated): TOPMed 0.00010; 1000 Genomes Project 30x 0.00016; gnomAD exomes 0.00006; ESP Exome Variant Server 0.00008; ExAC 0.00009; 1000 Genomes Project 0.00020.

Submissions (7):

ClinGen Leukodystrophy and Leukoencephalopathy Variant Curation Expert Panel, ClinGen
Classification: Benign for Alexander disease. Last evaluated: 2026-08-17. Review status: reviewed by expert panel. Criteria: ClinGen Leuko ACMG Specifications GFAP V1.0. Collection method: curation. Allele origin: germline. Inheritance: Autosomal dominant inheritance.
Comment: The c.625C>T variant in GFAP is a missense variant predicted to cause substitution of arginine by tryptophan at amino acid 209 (p.Arg209Trp). The Total GrpMax filtering allele frequency in gnomAD v4.1.1 is 0.0001202 from the East Asian genetic ancestry group (the lower threshold of the 95% CI of 10/44880 alleles), which is higher than the ClinGen Leukodystrophy and Leukoencephalopathy VCEP threshold (>0.0001) for BA1, and therefore meets this criterion (BA1). This variant has not been reported in any probands/families meeting phenotypic criteria for Alexander disease. In summary, this variant meets the criteria to be classified as benign for Alexander disease based on the ACMG/AMP criteria applied, as specified by the ClinGen Leukodystrophy and Leukoencephalopathy Expert Panel: BA1 (ClinGen Leukodystrophy and Leukoencephalopathy VCEP Specifications Version 1.0.0).

CeGaT Center for Human Genetics Tuebingen
Classification: Uncertain significance. Last evaluated: 2026-08-01. Review status: criteria provided, single submitter. Criteria: CeGaT Center For Human Genetics Tuebingen Variant Classification Criteria Version 2. Collection method: clinical testing. Allele origin: germline. Affected: yes. Observed: 4 variant alleles. Not counted in ClinVar's aggregate classification.

Ambry Genetics
Classification: Likely benign for Inborn genetic diseases. Last evaluated: 2024-07-31. Review status: criteria provided, single submitter. Criteria: Ambry Variant Classification Scheme 2023. Collection method: clinical testing. Allele origin: germline. Not counted in ClinVar's aggregate classification.

Labcorp Genetics (formerly Invitae), Labcorp
Classification: Uncertain significance. Last evaluated: 2023-09-20. Review status: criteria provided, single submitter. Criteria: Invitae Variant Classification Sherloc (09022015). Collection method: clinical testing. Allele origin: germline. Not counted in ClinVar's aggregate classification.
Comment: This sequence change replaces arginine, which is basic and polar, with tryptophan, which is neutral and slightly polar, at codon 209 of the GFAP protein (p.Arg209Trp). This variant is present in population databases (rs146725018, gnomAD 0.05%), and has an allele count higher than expected for a pathogenic variant. This variant has not been reported in the literature in individuals affected with GFAP-related conditions. ClinVar contains an entry for this variant (Variation ID: 558830). Advanced modeling of protein sequence and biophysical properties (such as structural, functional, and spatial information, amino acid conservation, physicochemical variation, residue mobility, and thermodynamic stability) has been performed at Invitae for this missense variant, however the output from this modeling did not meet the statistical confidence thresholds required to predict the impact of this variant on GFAP protein function. Algorithms developed to predict the effect of sequence changes on RNA splicing suggest that this variant may create or strengthen a splice site. In summary, the available evidence is currently insufficient to determine the role of this variant in disease. Therefore, it has been classified as a Variant of Uncertain Significance.

Department of Pathology and Laboratory Medicine, Sinai Health System
Classification: Uncertain significance for Alexander disease. Last evaluated: 2022-11-01. Review status: criteria provided, single submitter. Criteria: ACMG Guidelines, 2015. Collection method: research. Allele origin: germline. Not counted in ClinVar's aggregate classification.

GeneDx
Classification: Uncertain significance. Last evaluated: 2019-05-03. Review status: criteria provided, single submitter. Criteria: GeneDx Variant Classification Process June 2021. Collection method: clinical testing. Allele origin: germline. Affected: yes. Not counted in ClinVar's aggregate classification.
Comment: In silico analysis, which includes protein predictors and evolutionary conservation, supports a deleterious effect; Has not been previously published as pathogenic or benign to our knowledge

Mayo Clinic Laboratories, Mayo Clinic
Classification: Uncertain significance. Last evaluated: 2017-04-18. Review status: no assertion criteria provided. Collection method: clinical testing. Allele origin: unknown. Not counted in ClinVar's aggregate classification.